The following is an entry in ClinVar:

ClinVar aggregate classification (germline): Uncertain significance (1 of 4 stars; one submission).

gnomAD v4.1: 9 of 1,353,184 alleles (0.00067%); highest among the groups gnomAD compares: African/African-American, 0.0066%; no homozygotes.

Submission:

Labcorp Genetics (formerly Invitae), Labcorp
Classification: Uncertain significance. Last evaluated: 2024-09-21. Review status: criteria provided, single submitter. Criteria: Invitae Variant Classification Sherloc (09022015). Collection method: clinical testing. Allele origin: germline.
Comment: This sequence change replaces alanine, which is neutral and non-polar, with threonine, which is neutral and polar, at codon 2524 of the CHD8 protein (p.Ala2524Thr). The frequency data for this variant in the population databases is considered unreliable, as metrics indicate poor data quality at this position in the gnomAD database. This variant has not been reported in the literature in individuals affected with CHD8-related conditions. An algorithm developed to predict the effect of missense changes on protein structure and function outputs the following: PolyPhen-2: "Benign". The threonine amino acid residue is found in multiple mammalian species, which suggests that this missense change does not adversely affect protein function. In summary, the available evidence is currently insufficient to determine the role of this variant in disease. Therefore, it has been classified as a Variant of Uncertain Significance.

NM_001170629.2(CHD8):c.7570G>A (p.Ala2524Thr)

Gene: CHD8 (chromodomain helicase DNA binding protein 8; minus strand). Cytogenetic location: 14q11.2.
Variant type: single nucleotide variant.
Coding change: c.7570G>A on transcript NM_001170629.2 (MANE Select); coding-DNA position 7570, G replaced by A.
Protein change: p.Ala2524Thr; replaces alanine 2524 with threonine.
Molecular consequence: missense variant.
Genome position (GRCh38, 1-based): chr14:21,385,789, C>T on the plus strand (G>A on the coding strand, the complement: CHD8 is on the minus strand). VCF-style: chr14-21385789-C-T. GRCh37 (hg19) VCF-style: chr14-21853948-C-T.
Other names: c.6733G>A, p.Ala2245Thr (NM_020920.4); short protein forms A2524T, A2245T.
Identifiers: ClinVar variation 3712963 (VCV003712963.2).
Genomic context (GRCh38, chr14:21,385,789, plus strand): 5'-CATCCTCATCGTCATCCTCCTCAGGTTGCAGTGGTGGCAACCGCAAGGTAGTACCAGAGG[C>T]GGTAGTCACTGGTGAAGAGGGGTAGCCAGGGGCTCTCAAGCCTGGATGGTGATGGTGGTG-3'
Protein context (NP_001164100.1, residues 2514-2534): PGYPSSPVTT[Ala2524Thr]SGTTLRLPPL